The following is an entry in ClinVar:

ClinVar aggregate classification (germline): Uncertain significance. Review status: criteria provided, multiple submitters, no conflicts (2 of 4 stars). 2 submissions from 2 submitters: Uncertain significance (2). Last evaluated 2024-12-06.

Conditions:
Gorlin syndrome. Also called: Nevoid Basal Cell Carcinoma Syndrome; Basal cell nevus syndrome. Identifiers: Orphanet 377, MedGen C0004779, MONDO:0007187.
Hereditary cancer-predisposing syndrome. Also called: Tumor predisposition; Hereditary neoplastic syndrome; Neoplastic Syndromes, Hereditary; Hereditary Cancer Syndrome. Identifiers: Orphanet 140162, MedGen C0027672, MeSH D009386, MONDO:0015356.

Allele frequency attached by ClinVar (database versions not stated): gnomAD exomes below 0.00001; TOPMed below 0.00001.
gnomAD v4.1: 2 of 1,613,972 alleles (0.00012%); highest among the groups gnomAD compares: Non-Finnish European, 0.00017%; no homozygotes.

Submissions (2):

Labcorp Genetics (formerly Invitae), Labcorp
Classification: Uncertain significance for Gorlin syndrome. Last evaluated: 2024-12-06. Review status: criteria provided, single submitter. Criteria: Invitae Variant Classification Sherloc (09022015). Collection method: clinical testing. Allele origin: germline.
Comment: This sequence change replaces glutamine, which is neutral and polar, with proline, which is neutral and non-polar, at codon 628 of the PTCH1 protein (p.Gln628Pro). This variant is not present in population databases (gnomAD no frequency). This variant has not been reported in the literature in individuals affected with PTCH1-related conditions. ClinVar contains an entry for this variant (Variation ID: 2561878). Invitae Evidence Modeling of protein sequence and biophysical properties (such as structural, functional, and spatial information, amino acid conservation, physicochemical variation, residue mobility, and thermodynamic stability) indicates that this missense variant is not expected to disrupt PTCH1 protein function with a negative predictive value of 95%. In summary, the available evidence is currently insufficient to determine the role of this variant in disease. Therefore, it has been classified as a Variant of Uncertain Significance.

Ambry Genetics
Classification: Uncertain significance for Hereditary cancer-predisposing syndrome. Last evaluated: 2023-04-07. Review status: criteria provided, single submitter. Criteria: Ambry Variant Classification Scheme 2023. Collection method: clinical testing. Allele origin: germline.
Comment: The p.Q628P variant (also known as c.1883A>C), located in coding exon 14 of the PTCH1 gene, results from an A to C substitution at nucleotide position 1883. The glutamine at codon 628 is replaced by proline, an amino acid with similar properties. This amino acid position is well conserved in available vertebrate species. In addition, the in silico prediction for this alteration is inconclusive. Since supporting evidence is limited at this time, the clinical significance of this alteration remains unclear.

NM_000264.5(PTCH1):c.1883A>C (p.Gln628Pro)

Genes: PTCH1 (patched 1; minus strand), LOC100507346 (uncharacterized LOC100507346; plus strand). Cytogenetic location: 9q22.32.
Variant type: single nucleotide variant.
Coding change: c.1883A>C on transcript NM_000264.5 (MANE Select); coding-DNA position 1883, A replaced by C.
Protein change: p.Gln628Pro; replaces glutamine 628 with proline.
Molecular consequence: missense variant. On other transcripts: non-coding transcript variant (2).
Genome position (GRCh38, 1-based): chr9:95,469,118, T>G on the plus strand (A>C on the coding strand, the complement: PTCH1 is on the minus strand). VCF-style: chr9-95469118-T-G. GRCh37 (hg19) VCF-style: chr9-98231400-T-G.
Other names: c.1685A>C, p.Gln562Pro (NM_001083602.3); c.1880A>C, p.Gln627Pro (NM_001083603.3); c.1430A>C, p.Gln477Pro (NM_001083604.3, NM_001083605.3, NM_001083606.3 and 1 more transcripts); c.1727A>C, p.Gln576Pro (NM_001354918.2); short protein forms Q562P, Q628P, Q477P, Q576P, Q627P.
Identifiers: ClinVar variation 2561878 (VCV002561878.5), dbSNP rs1840321607, ClinGen allele CA374116123.